The following is an entry in ClinVar:

NM_000057.4(BLM):c.2420T>G (p.Phe807Cys)

Gene: BLM (BLM RecQ like helicase; plus strand). Cytogenetic location: 15q26.1.
Variant type: single nucleotide variant.
Coding change: c.2420T>G on transcript NM_000057.4 (MANE Select); coding-DNA position 2420, T replaced by G.
Protein change: p.Phe807Cys; replaces phenylalanine 807 with cysteine.
Molecular consequence: missense variant.
Genome position (GRCh38, 1-based): chr15:90,769,451, T>G. VCF-style: chr15-90769451-T-G. GRCh37 (hg19) VCF-style: chr15-91312681-T-G.
Other names: c.2420T>G, p.Phe807Cys (NM_001287246.2, NM_001287247.2); c.1295T>G, p.Phe432Cys (NM_001287248.2); short protein forms F432C, F807C.
Identifiers: ClinVar variation 2847722 (VCV002847722.3), dbSNP rs2505456384, ClinGen allele CA393845279.

ClinVar aggregate classification (germline): Uncertain significance (1 of 4 stars; one submission).

Conditions:
Bloom syndrome (BLM). Also called: Bloom-Torre-Machacek syndrome. Identifiers: Orphanet 125, MedGen C0005859, MONDO:0008876, OMIM 210900.

Allele frequency attached by ClinVar (database versions not stated): gnomAD exomes below 0.00001.
gnomAD v4.1: 1 of 1,614,152 alleles (0.000062%); highest among the groups gnomAD compares: Non-Finnish European, 0.000085%; no homozygotes.

Submission:

Labcorp Genetics (formerly Invitae), Labcorp
Classification: Uncertain significance for Bloom syndrome. Last evaluated: 2023-09-06. Review status: criteria provided, single submitter. Criteria: Invitae Variant Classification Sherloc (09022015). Collection method: clinical testing. Allele origin: germline.
Comment: This variant is not present in population databases (gnomAD no frequency). This sequence change replaces phenylalanine, which is neutral and non-polar, with cysteine, which is neutral and slightly polar, at codon 807 of the BLM protein (p.Phe807Cys). In summary, the available evidence is currently insufficient to determine the role of this variant in disease. Therefore, it has been classified as a Variant of Uncertain Significance. Advanced modeling of protein sequence and biophysical properties (such as structural, functional, and spatial information, amino acid conservation, physicochemical variation, residue mobility, and thermodynamic stability) performed at Invitae indicates that this missense variant is expected to disrupt BLM protein function. This variant has not been reported in the literature in individuals affected with BLM-related conditions.